The following is an entry in ClinVar:

NM_000432.4(MYL2):c.261G>A (p.Gly87=)

Gene: MYL2 (myosin light chain 2; minus strand). Cytogenetic location: 12q24.11.
Variant type: single nucleotide variant.
Coding change: c.261G>A on transcript NM_000432.4 (MANE Select); coding-DNA position 261, G replaced by A.
Protein change: p.Gly87=; no amino-acid change (glycine 87 retained).
Molecular consequence: synonymous variant.
Genome position (GRCh38, 1-based): chr12:110,914,199, C>T on the plus strand (G>A on the coding strand, the complement: MYL2 is on the minus strand). VCF-style: chr12-110914199-C-T. GRCh37 (hg19) VCF-style: chr12-111352003-C-T.
Other names: c.219G>A, p.Gly73= (NM_001406745.1, NM_001406746.1); c.204G>A, p.Gly68= (NM_001406916.1).
Identifiers: ClinVar variation 3072352 (VCV003072352.1), dbSNP rs2499809696, ClinGen allele CA481750995.

ClinVar aggregate classification (germline): Likely benign (1 of 4 stars; one submission).

Conditions:
Hypertrophic cardiomyopathy. Also called: HYPERTROPHIC MYOCARDIOPATHY. Identifiers: Orphanet 217569, MedGen C0007194, MeSH D002312, MONDO:0005045, HP:0001639.

Allele frequency attached by ClinVar (database versions not stated): gnomAD exomes below 0.00001.
gnomAD v4.1: 2 of 1,613,166 alleles (0.00012%); highest among the groups gnomAD compares: Non-Finnish European, 0.00017%; no homozygotes.

Submission:

All of Us Research Program, National Institutes of Health
Classification: Likely benign for Hypertrophic cardiomyopathy. Last evaluated: 2023-07-10. Review status: criteria provided, single submitter. Criteria: ACMG Guidelines, 2015. Collection method: clinical testing. Allele origin: germline. Inheritance: Autosomal dominant inheritance. Observed: 1 variant allele, 1 heterozygote.
Comment: This study involves interpretation of variants in research participants for the purpose of population health screening. Participant phenotype was not available at the time of variant classification. Additional details can be found in publication PMID: 35346344, PMCID: PMC8962531